The following is an entry in ClinVar:

ClinVar aggregate classification (germline): Uncertain significance. Review status: criteria provided, multiple submitters, no conflicts (2 of 4 stars). 4 submissions from 4 submitters: Uncertain significance (4). Last evaluated 2025-11-24.

Conditions:
Hereditary nonpolyposis colorectal neoplasms. Identifiers: MedGen C0009405, MeSH D003123.
Hereditary cancer-predisposing syndrome. Also called: Neoplastic Syndromes, Hereditary; Hereditary Cancer Syndrome; Tumor predisposition; Hereditary neoplastic syndrome. Identifiers: Orphanet 140162, MedGen C0027672, MeSH D009386, MONDO:0015356.

Allele frequency attached by ClinVar (database versions not stated): TOPMed below 0.00001.

Submissions (4):

Labcorp Genetics (formerly Invitae), Labcorp
Classification: Uncertain significance for Hereditary nonpolyposis colorectal neoplasms. Last evaluated: 2025-11-24. Review status: criteria provided, single submitter. Criteria: Invitae Variant Classification Sherloc (09022015). Collection method: clinical testing. Allele origin: germline.
Comment: This sequence change replaces alanine, which is neutral and non-polar, with glutamic acid, which is acidic and polar, at codon 16 of the MSH6 protein (p.Ala16Glu). This variant is not present in population databases (gnomAD no frequency). This variant has not been reported in the literature in individuals affected with MSH6-related conditions. ClinVar contains an entry for this variant (Variation ID: 944227). Invitae Evidence Modeling of protein sequence and biophysical properties (such as structural, functional, and spatial information, amino acid conservation, physicochemical variation, residue mobility, and thermodynamic stability) indicates that this missense variant is not expected to disrupt MSH6 protein function with a negative predictive value of 95%. In summary, the available evidence is currently insufficient to determine the role of this variant in disease. Therefore, it has been classified as a Variant of Uncertain Significance.

Color Diagnostics, LLC DBA Color Health
Classification: Uncertain significance for Hereditary cancer-predisposing syndrome. Last evaluated: 2024-03-04. Review status: criteria provided, single submitter. Criteria: ACMG Guidelines, 2015. Collection method: clinical testing. Allele origin: germline.
Comment: This missense variant replaces alanine with glutamic acid at codon 16 of the MSH6 protein. Computational prediction suggests that this variant may not impact protein structure and function (internally defined REVEL score threshold <= 0.5, PMID: 27666373). To our knowledge, functional studies have not been reported for this variant. This variant has not been reported in individuals affected with MSH6-related disorders in the literature. This variant has not been identified in the general population by the Genome Aggregation Database (gnomAD). The available evidence is insufficient to determine the role of this variant in disease conclusively. Therefore, this variant is classified as a Variant of Uncertain Significance.

Ambry Genetics
Classification: Uncertain significance for Hereditary cancer-predisposing syndrome. Last evaluated: 2024-01-24. Review status: criteria provided, single submitter. Criteria: Ambry Variant Classification Scheme 2023. Collection method: clinical testing. Allele origin: germline.
Comment: The p.A16E variant (also known as c.47C>A), located in coding exon 1 of the MSH6 gene, results from a C to A substitution at nucleotide position 47. The alanine at codon 16 is replaced by glutamic acid, an amino acid with dissimilar properties. This amino acid position is not well conserved in available vertebrate species. In addition, this alteration is predicted to be tolerated by in silico analysis. Since supporting evidence is limited at this time, the clinical significance of this alteration remains unclear.

Quest Diagnostics Nichols Institute San Juan Capistrano
Classification: Uncertain significance. Last evaluated: 2022-12-03. Review status: criteria provided, single submitter. Criteria: Quest Diagnostics criteria. Collection method: clinical testing. Allele origin: unknown.
Comment: The variant has not been reported in the published literature. It also has not been reported in large, multi-ethnic general populations. Analysis of this variant using bioinformatics tools for the prediction of the effect of amino acid changes on protein structure and function yielded predictions that this variant is benign. Based on the available information, we are unable to determine the clinical significance of this variant.

NM_000179.3(MSH6):c.47C>A (p.Ala16Glu)

Gene: MSH6 (mutS homolog 6; plus strand). Cytogenetic location: 2p16.3.
Variant type: single nucleotide variant.
Coding change: c.47C>A on transcript NM_000179.3 (MANE Select); coding-DNA position 47, C replaced by A.
Protein change: p.Ala16Glu; replaces alanine 16 with glutamic acid.
Molecular consequence: missense variant. On other transcripts: 5 prime UTR variant (1).
Genome position (GRCh38, 1-based): chr2:47,783,280, C>A. VCF-style: chr2-47783280-C-A. GRCh37 (hg19) VCF-style: chr2-48010419-C-A.
Other names: c.47C>A, p.Ala16Glu (NM_001281492.2); c.-690C>A (NM_001281493.2); short protein forms A16E.
Identifiers: ClinVar variation 944227 (VCV000944227.12), dbSNP rs759501511, ClinGen allele CA346734543.
Genomic context (GRCh38, chr2:47,783,280, plus strand): 5'-TGCCGGCTGTCGGTATGTCGCGACAGAGCACCCTGTACAGCTTCTTCCCCAAGTCTCCGG[C>A]GCTGAGTGATGCCAACAAGGCCTCGGCCAGGGCCTCACGCGAAGGCGGCCGTGCCGCCGC-3'
Protein context (NP_000170.1, residues 6-26): TLYSFFPKSP[Ala16Glu]LSDANKASAR